The following is an entry in ClinVar:

NM_001378328.1(CELSR1):c.1010C>T (p.Thr337Ile)

Gene: CELSR1 (cadherin EGF LAG seven-pass G-type receptor 1; minus strand). Cytogenetic location: 22q13.31.
Variant type: single nucleotide variant.
Coding change: c.1010C>T on transcript NM_001378328.1 (MANE Select); coding-DNA position 1010, C replaced by T.
Protein change: p.Thr337Ile; replaces threonine 337 with isoleucine.
Molecular consequence: missense variant.
Genome position (GRCh38, 1-based): chr22:46,536,161, G>A on the plus strand (C>T on the coding strand, the complement: CELSR1 is on the minus strand). VCF-style: chr22-46536161-G-A. GRCh37 (hg19) VCF-style: chr22-46932058-G-A.
Other names: c.1010C>T, p.Thr337Ile (NM_014246.4); short protein forms T337I.
Identifiers: ClinVar variation 3343645 (VCV003343645.1).

ClinVar aggregate classification (germline): Uncertain significance (1 of 4 stars; one submission).

Submission:

GeneDx
Classification: Uncertain significance. Last evaluated: 2023-05-18. Review status: criteria provided, single submitter. Criteria: GeneDx Variant Classification Process June 2021. Collection method: clinical testing. Allele origin: germline. Affected: yes.
Comment: Not observed at significant frequency in large population cohorts (gnomAD); In silico analysis supports that this missense variant has a deleterious effect on protein structure/function; Has not been previously published as pathogenic or benign to our knowledge